The following is an entry in ClinVar:

NM_006182.4(DDR2):c.1480T>A (p.Phe494Ile)

Gene: DDR2 (discoidin domain receptor tyrosine kinase 2; plus strand). Cytogenetic location: 1q23.3.
Variant type: single nucleotide variant.
Coding change: c.1480T>A on transcript NM_006182.4 (MANE Select); coding-DNA position 1480, T replaced by A.
Protein change: p.Phe494Ile; replaces phenylalanine 494 with isoleucine.
Molecular consequence: missense variant.
Genome position (GRCh38, 1-based): chr1:162,770,488, T>A. VCF-style: chr1-162770488-T-A. GRCh37 (hg19) VCF-style: chr1-162740278-T-A.
Other names: c.1480T>A, p.Phe494Ile (NM_001014796.3, NM_001354982.2, NM_001354983.2); short protein forms F494I.
Identifiers: ClinVar variation 1384680 (VCV001384680.8), dbSNP rs2102181591, ClinGen allele CA343411346.
Genomic context (GRCh38, chr1:162,770,488, plus strand): 5'-ATCTTTCCCCTTCGCCCTGACTACCAGGAGCCATCCAGGCTGATACGAAAACTCCCAGAA[T>A]TTGCTCCAGGGGAGGAGGAGTCAGGTGAGGATGATGTGGTGGGCAGGGTGTCAAGGGAGA-3'
Protein context (NP_006173.2, residues 484-504): PSRLIRKLPE[Phe494Ile]APGEEESGCS

ClinVar aggregate classification (germline): Uncertain significance (1 of 4 stars; one submission).

Allele frequency attached by ClinVar (database versions not stated): gnomAD exomes below 0.00001.
gnomAD v4.1: 1 of 1,613,980 alleles (0.000062%); highest among the groups gnomAD compares: Non-Finnish European, 0.000085%; no homozygotes.

Submission:

Labcorp Genetics (formerly Invitae), Labcorp
Classification: Uncertain significance. Last evaluated: 2024-10-07. Review status: criteria provided, single submitter. Criteria: Invitae Variant Classification Sherloc (09022015). Collection method: clinical testing. Allele origin: germline.
Comment: This sequence change replaces phenylalanine, which is neutral and non-polar, with isoleucine, which is neutral and non-polar, at codon 494 of the DDR2 protein (p.Phe494Ile). This variant is not present in population databases (gnomAD no frequency). This variant has not been reported in the literature in individuals affected with DDR2-related conditions. ClinVar contains an entry for this variant (Variation ID: 1384680). An algorithm developed to predict the effect of missense changes on protein structure and function (PolyPhen-2) suggests that this variant is likely to be tolerated. In summary, the available evidence is currently insufficient to determine the role of this variant in disease. Therefore, it has been classified as a Variant of Uncertain Significance.